The following is an entry in ClinVar:

ClinVar aggregate classification (germline): Uncertain significance (1 of 4 stars; one submission).

Submission:

Labcorp Genetics (formerly Invitae), Labcorp
Classification: Uncertain significance. Last evaluated: 2025-04-29. Review status: criteria provided, single submitter. Criteria: Invitae Variant Classification Sherloc (09022015). Collection method: clinical testing. Allele origin: germline.
Comment: This sequence change affects codon 340 of the TCIRG1 mRNA. It is a 'silent' change, meaning that it does not change the encoded amino acid sequence of the TCIRG1 protein. This variant also falls at the last nucleotide of exon 9, which is part of the consensus splice site for this exon. This variant is not present in population databases (gnomAD no frequency). This variant has not been reported in the literature in individuals affected with TCIRG1-related conditions. ClinVar contains an entry for this variant (Variation ID: 2843166). Variants that disrupt the consensus splice site are a relatively common cause of aberrant splicing (PMID: 17576681, 9536098). Algorithms developed to predict the effect of sequence changes on RNA splicing suggest that this variant may disrupt the consensus splice site. In summary, the available evidence is currently insufficient to determine the role of this variant in disease. Therefore, it has been classified as a Variant of Uncertain Significance.

Literature cited by the submitters: PubMed 17576681; PubMed 9536098.

NM_006019.4(TCIRG1):c.1020G>T (p.Ser340=)

Gene: TCIRG1 (T cell immune regulator 1, ATPase H+ transporting V0 subunit a3; plus strand). Cytogenetic location: 11q13.2.
Variant type: single nucleotide variant.
Coding change: c.1020G>T on transcript NM_006019.4 (MANE Select); coding-DNA position 1020, G replaced by T.
Protein change: p.Ser340=; no amino-acid change (serine 340 retained).
Molecular consequence: synonymous variant.
Genome position (GRCh38, 1-based): chr11:68,044,344, G>T. VCF-style: chr11-68044344-G-T. GRCh37 (hg19) VCF-style: chr11-67811811-G-T.
Other names: c.126G>T, p.Ser42= (NM_001351059.2); c.372G>T, p.Ser124= (NM_006053.4).
Identifiers: ClinVar variation 2843166 (VCV002843166.3), dbSNP rs144158792, ClinGen allele CA475447707.